The following is an entry in ClinVar:

ClinVar aggregate classification (germline): Conflicting classifications of pathogenicity. Review status: criteria provided, conflicting classifications (1 of 4 stars). 2 submissions from 2 submitters: Uncertain significance (1); Likely benign (1). Last evaluated 2025-11-03.

Conditions:
Inborn genetic diseases. Identifiers: MedGen C0950123, MeSH D030342.
Intellectual developmental disorder, autosomal recessive 7. Also called: Intellectual disability, autosomal recessive 7. Identifiers: Orphanet 88616, MedGen C1970197, MONDO:0012615, OMIM 611093.

Allele frequency attached by ClinVar (database versions not stated): gnomAD exomes 0.00001; ExAC 0.00001.
gnomAD v4.1: 23 of 1,475,952 alleles (0.0016%); highest among the groups gnomAD compares: Non-Finnish European, 0.0019%; no homozygotes.

Submissions (2):

Labcorp Genetics (formerly Invitae), Labcorp
Classification: Likely benign for Intellectual developmental disorder, autosomal recessive 7. Last evaluated: 2025-11-03. Review status: criteria provided, single submitter. Criteria: Invitae Variant Classification Sherloc (09022015). Collection method: clinical testing. Allele origin: germline.

Ambry Genetics
Classification: Uncertain significance for Inborn genetic diseases. Last evaluated: 2019-01-24. Review status: criteria provided, single submitter. Criteria: Ambry Variant Classification Scheme 2023. Collection method: clinical testing. Allele origin: germline.
Comment: The c.1029-5G>C intronic variant results from a G to C substitution 5 nucleotides upstream from coding exon 10 in the TUSC3 gene. This nucleotide position is highly conserved in available vertebrate species. Using the Human Splicing Finder (HSF) splice site prediction tool, this alteration does not have any significant effect on the native splice acceptor site; however, direct evidence is unavailable (Desmet FO et al. Nucleic Acids Res. 2009 May;37:e67). Since supporting evidence is limited at this time, the clinical significance of this alteration remains unclear.

NM_006765.4(TUSC3):c.1029-5G>C

Gene: TUSC3 (tumor suppressor candidate 3; plus strand). Cytogenetic location: 8p22.
Variant type: single nucleotide variant.
Coding change: c.1029-5G>C on transcript NM_006765.4 (MANE Select); 5 bases into the intron before coding-DNA position 1029, G replaced by C.
Molecular consequence: intron variant.
Genome position (GRCh38, 1-based): chr8:15,757,786, G>C. VCF-style: chr8-15757786-G-C. GRCh37 (hg19) VCF-style: chr8-15615295-G-C.
Other names: c.1029-6417G>C (NM_178234.2); c.1029-5G>C (NM_001356429.2).
Identifiers: ClinVar variation 1770299 (VCV001770299.3), dbSNP rs778366754, ClinGen allele CA4640783.